The following is an entry in ClinVar:

NM_182961.4(SYNE1):c.7951G>A (p.Glu2651Lys)

Gene: SYNE1 (spectrin repeat containing nuclear envelope protein 1; minus strand). Cytogenetic location: 6q25.2.
Variant type: single nucleotide variant.
Coding change: c.7951G>A on transcript NM_182961.4 (MANE Select); coding-DNA position 7951, G replaced by A.
Protein change: p.Glu2651Lys; replaces glutamic acid 2651 with lysine.
Molecular consequence: missense variant.
Genome position (GRCh38, 1-based): chr6:152,391,330, C>T on the plus strand (G>A on the coding strand, the complement: SYNE1 is on the minus strand). VCF-style: chr6-152391330-C-T. GRCh37 (hg19) VCF-style: chr6-152712465-C-T.
Other names: c.7972G>A, p.Glu2658Lys (NM_033071.5); short protein forms E2651K, E2658K.
Identifiers: ClinVar variation 578203 (VCV000578203.7), dbSNP rs147040672, ClinGen allele CA4057662.

ClinVar aggregate classification (germline): Uncertain significance. Review status: criteria provided, multiple submitters, no conflicts (2 of 4 stars). 2 submissions from 2 submitters: Uncertain significance (2). Last evaluated 2025-04-14.

Conditions:
Emery-Dreifuss muscular dystrophy 4, autosomal dominant (EDMD4). Also called: EMERY-DREIFUSS MUSCULAR DYSTROPHY 4 WITH VARIABLE FEATURES. Identifiers: Orphanet 261, MedGen C2751807, MONDO:0013071, OMIM 612998.
Autosomal recessive ataxia, Beauce type. Also called: SYNE1-Related Autosomal Recessive Cerebellar Ataxia; Spinocerebellar ataxia, autosomal recessive 8; ATAXIA, RECESSIVE, OF BEAUCE; SYNE1 Deficiency. Identifiers: Orphanet 88644, MedGen C1853116, MONDO:0012549, OMIM 610743.

Allele frequency attached by ClinVar (database versions not stated): gnomAD exomes below 0.00001 and 0.00001; TOPMed 0.00001; ExAC 0.00002; ESP Exome Variant Server 0.00015.
gnomAD v4.1: 20 of 1,614,126 alleles (0.0012%); highest among the groups gnomAD compares: Non-Finnish European, 0.0016%; no homozygotes.

Submissions (2):

GeneDx
Classification: Uncertain significance. Last evaluated: 2025-04-14. Review status: criteria provided, single submitter. Criteria: GeneDx Variant Classification Process June 2021. Collection method: clinical testing. Allele origin: germline. Affected: yes.
Comment: Not observed at significant frequency in large population cohorts (gnomAD); In silico analysis indicates that this missense variant does not alter protein structure/function; Has not been previously published as pathogenic or benign to our knowledge

Labcorp Genetics (formerly Invitae), Labcorp
Classification: Uncertain significance for Emery-Dreifuss muscular dystrophy 4, autosomal dominant; Autosomal recessive ataxia, Beauce type. Last evaluated: 2021-08-28. Review status: criteria provided, single submitter. Criteria: Invitae Variant Classification Sherloc (09022015). Collection method: clinical testing. Allele origin: germline.
Comment: This sequence change replaces glutamic acid with lysine at codon 2658 of the SYNE1 protein (p.Glu2658Lys). The glutamic acid residue is highly conserved and there is a small physicochemical difference between glutamic acid and lysine. This variant is present in population databases (rs147040672, ExAC 0.003%). This variant has not been reported in the literature in individuals affected with SYNE1-related conditions. Algorithms developed to predict the effect of missense changes on protein structure and function are either unavailable or do not agree on the potential impact of this missense change (SIFT: "Deleterious"; PolyPhen-2: "Benign"; Align-GVGD: "Class C55"). In summary, the available evidence is currently insufficient to determine the role of this variant in disease. Therefore, it has been classified as a Variant of Uncertain Significance.